The following is an entry in ClinVar:

ClinVar aggregate classification (germline): Benign. Review status: criteria provided, single submitter (1 of 4 stars). 2 submissions from 2 submitters: Benign (1). 1 of the submissions does not count toward it. Last evaluated 2023-07-31.

Conditions:
Tuberous sclerosis 2 (TSC2). Identifiers: Orphanet 805, MedGen C1860707, MONDO:0013199, OMIM 613254.
TSC2-related disorder. Also called: TSC2-related condition; TSC2-Related Disorders.

Allele frequency attached by ClinVar (database versions not stated): gnomAD exomes below 0.00001; gnomAD 0.00001.

Submissions (2):

Labcorp Genetics (formerly Invitae), Labcorp
Classification: Benign for Tuberous sclerosis 2. Last evaluated: 2023-07-31. Review status: criteria provided, single submitter. Criteria: Invitae Variant Classification Sherloc (09022015). Collection method: clinical testing. Allele origin: germline.

PreventionGenetics, part of Exact Sciences
Classification: Uncertain significance for TSC2-related condition. Last evaluated: 2024-03-27. Review status: no assertion criteria provided. Collection method: clinical testing. Allele origin: germline. Not counted in ClinVar's aggregate classification.
Comment: The TSC2 c.3524T>C variant is predicted to result in the amino acid substitution p.Val1175Ala. To our knowledge, this variant has not been reported in the literature. This variant is reported in 0.0040% of alleles in individuals of European (Finnish) descent in gnomAD. At this time, the clinical significance of this variant is uncertain due to the absence of conclusive functional and genetic evidence.

NM_000548.5(TSC2):c.3524T>C (p.Val1175Ala)

Gene: TSC2 (TSC complex subunit 2; plus strand). Cytogenetic location: 16p13.3.
Variant type: single nucleotide variant.
Coding change: c.3524T>C on transcript NM_000548.5 (MANE Select); coding-DNA position 3524, T replaced by C.
Protein change: p.Val1175Ala; replaces valine 1175 with alanine.
Molecular consequence: missense variant. On other transcripts: non-coding transcript variant (5).
Genome position (GRCh38, 1-based): chr16:2,080,291, T>C. VCF-style: chr16-2080291-T-C. GRCh37 (hg19) VCF-style: chr16-2130292-T-C.
Other names: c.3524T>C (NM_000548.4); c.3521T>C, p.Val1174Ala (NM_001406664.1, NM_001406663.1); c.3392T>C, p.Val1131Ala (NM_001406665.1, NM_001077183.3, NM_001370404.1); c.3485T>C, p.Val1162Ala (NM_001406667.1); c.3482T>C, p.Val1161Ala (NM_001406668.1); c.3413T>C, p.Val1138Ala (NM_001406670.1); c.3383T>C, p.Val1128Ala (NM_001406671.1); c.3380T>C, p.Val1127Ala (NM_001406673.1); and 19 more; short protein forms V1125A, V1127A, V1138A, V1142A, V975A, V978A, V1126A, V1128A.
Identifiers: ClinVar variation 2984087 (VCV002984087.4), dbSNP rs1403988261, ClinGen allele CA394289356.
Genomic context (GRCh38, chr16:2,080,291, plus strand): 5'-CTCCAGGACCACGGACTGCACCAGCCGCGAAACCTGAGAAGGCCTCAGCTGGCACCCGGG[T>C]TCCTGTGCAGGAGAAGACGAACCTGGCGGCCTATGTGCCCCTGCTGACCCAGGGCTGGGC-3'
Protein context (NP_000539.2, residues 1165-1185): KPEKASAGTR[Val1175Ala]PVQEKTNLAA